The following is an entry in ClinVar:

NM_024740.2(ALG9):c.1163_1164del (p.Ser388fs)

Gene: ALG9 (ALG9 alpha-1,2-mannosyltransferase; minus strand). Cytogenetic location: 11q23.1.
Variant type: Microsatellite.
Coding change: c.1163_1164del on transcript NM_024740.2 (MANE Select); coding-DNA positions 1163 to 1164, 2 bases deleted (CT; older notation c.1163_1164delCT).
Protein change: p.Ser388fs; shifts the reading frame from serine 388.
Molecular consequence: frameshift variant. On other transcripts: non-coding transcript variant (1).
Genome position (GRCh38, 1-based): chr11:111,840,664-111,840,665, AG deleted on the plus strand (CT on the coding strand, the reverse complement: ALG9 is on the minus strand); deleting any 2 consecutive bases within chr11:111,840,664-111,840,671 gives the same sequence; the c. name uses the placement nearest the transcript's 3' end. VCF-style (leftmost placement, unchanged base first): chr11-111840663-CAG-C. GRCh37 (hg19) VCF-style: chr11-111711386-CAG-C.
Other names: c.1163_1164del, p.Ser388fs (NM_001077690.1, NM_001352417.1); c.650_651del, p.Ser217fs (NM_001077691.2, NM_001077692.2, NM_001352419.1 and 10 more transcripts); c.1163_1164delCT (NM_024740.2); c.575_576del, p.Ser192fs (NM_001352422.2); c.527_528del, p.Ser176fs (NM_001352423.2); c.1040_1041del, p.Ser347fs (NM_001352418.1); short protein forms S176fs, S192fs, S217fs, S347fs, S388fs.
Identifiers: ClinVar variation 3345062 (VCV003345062.3).

ClinVar aggregate classification (germline): Pathogenic. Review status: criteria provided, single submitter (1 of 4 stars). 2 submissions from 2 submitters: Pathogenic (1). 1 of the submissions does not count toward it. Last evaluated 2025-04-28.

Conditions:
ALG9-related disorder. Also called: ALG9-related condition.
ALG9-associated autosomal dominant polycystic kidney disease. Identifiers: MedGen CN305626, MONDO:0700000.

Submissions (2):

Victorian Clinical Genetics Services, Murdoch Childrens Research Institute
Classification: Pathogenic for ALG9-associated autosomal dominant polycystic kidney disease. Last evaluated: 2025-04-28. Review status: criteria provided, single submitter. Criteria: ACMG Guidelines, 2015. Collection method: clinical testing. Allele origin: germline. Affected: yes.
Comment: This variant is classified as Pathogenic. Evidence in support of pathogenic classification: Variant is predicted to cause nonsense-mediated decay (NMD) and loss of protein (premature termination codon is located at least 54 nucleotides upstream of the final exon-exon junction); Variant is present in gnomAD <0.01 (v4: 3 heterozygote(s), 0 homozygote(s)); This variant has limited previous evidence of pathogenicity in an unrelated individual(s). This variant has been classified as likely pathogenic by a clinical laboratory in ClinVar; Other NMD-predicted variant(s) comparable to the one identified in this case have very strong previous evidence for pathogenicity (DECIPHER, PMID: 31395617). Additional information: This variant is heterozygous; This gene is associated with both recessive and dominant disease. Biallelic missense variants are associated with congenital disorder of glycosylation, type Il (MIM#608776), whilst biallelic null variants are associated with Gillessen-Kaesbach-Nishimura syndrome (MIM#263210). Heterozygous variants are associated with a form of polycystic kidney disease with incomplete penetrance (PMID: 31395617); No published segregation evidence has been identified for this variant; No published functional evidence has been identified for this variant; Loss of function is a known mechanism of disease in this gene and is associated with congenital disorder of glycosylation, type II (MIM#608776), Gillessen-Kaesbach-Nishimura syndrome (MIM#263210) and ALG9-associated autosomal dominant polycystic kidney disease (MONDO:0700000); The condition associated with this gene has incomplete penetrance for ADPKD (PMID: 31395617); Inheritance information for this variant is not currently available in this individual.

PreventionGenetics, part of Exact Sciences
Classification: Likely pathogenic for ALG9-related condition. Last evaluated: 2024-08-12. Review status: no assertion criteria provided. Collection method: clinical testing. Allele origin: germline. Not counted in ClinVar's aggregate classification.
Comment: The ALG9 c.1163_1164delCT variant is predicted to result in a frameshift and premature protein termination (p.Ser388Cysfs*60). To our knowledge, this variant has not been reported in the literature. This variant is reported in 0.0029% of alleles in individuals of Latino descent in gnomAD. Frameshift variants in ALG9 are expected to be pathogenic. This variant is interpreted as likely pathogenic.

Literature cited by the submitters: PubMed 31395617 (cited by Victorian Clinical Genetics Services, Murdoch Childrens Research Institute).